The following is an entry in ClinVar:

ClinVar aggregate classification (germline): Uncertain significance (1 of 4 stars; one submission).

Conditions:
Mitochondrial complex II deficiency, nuclear type 1. Also called: SUCCINATE CoQ REDUCTASE DEFICIENCY. Identifiers: Orphanet 3208, MedGen C5700310, MONDO:0100294, OMIM 252011.
Pheochromocytoma/paraganglioma syndrome 5. Also called: Paragangliomas 5; SDHA-Related Hereditary Paraganglioma-Pheochromocytoma Syndrome. Identifiers: Orphanet 29072, MedGen C3279992, MONDO:0013602, OMIM 614165.

Allele frequency attached by ClinVar (database versions not stated): gnomAD exomes below 0.00001.
gnomAD v4.1: 1 of 1,611,960 alleles (0.000062%); highest among the groups gnomAD compares: East Asian, 0.0022%; no homozygotes.

Submission:

Labcorp Genetics (formerly Invitae), Labcorp
Classification: Uncertain significance for Pheochromocytoma/paraganglioma syndrome 5; Mitochondrial complex II deficiency, nuclear type 1. Last evaluated: 2023-01-14. Review status: criteria provided, single submitter. Criteria: Invitae Variant Classification Sherloc (09022015). Collection method: clinical testing. Allele origin: germline.
Comment: This sequence change replaces alanine, which is neutral and non-polar, with threonine, which is neutral and polar, at codon 524 of the SDHA protein (p.Ala524Thr). This variant is not present in population databases (gnomAD no frequency). In summary, the available evidence is currently insufficient to determine the role of this variant in disease. Therefore, it has been classified as a Variant of Uncertain Significance. This variant disrupts the p.Ala524 amino acid residue in SDHA. Other variant(s) that disrupt this residue have been determined to be pathogenic (PMID: 10746566). This suggests that this residue is clinically significant, and that variants that disrupt this residue are likely to be disease-causing. Advanced modeling of protein sequence and biophysical properties (such as structural, functional, and spatial information, amino acid conservation, physicochemical variation, residue mobility, and thermodynamic stability) has been performed at Invitae for this missense variant, however the output from this modeling did not meet the statistical confidence thresholds required to predict the impact of this variant on SDHA protein function. This variant has not been reported in the literature in individuals affected with SDHA-related conditions.

Literature cited by the submitters: PubMed 10746566.

NM_004168.4(SDHA):c.1570G>A (p.Ala524Thr)

Gene: SDHA (succinate dehydrogenase complex flavoprotein subunit A; plus strand). Cytogenetic location: 5p15.33.
Variant type: single nucleotide variant.
Coding change: c.1570G>A on transcript NM_004168.4 (MANE Select); coding-DNA position 1570, G replaced by A.
Protein change: p.Ala524Thr; replaces alanine 524 with threonine.
Molecular consequence: missense variant. On other transcripts: intron variant (1).
Genome position (GRCh38, 1-based): chr5:251,010, G>A. VCF-style: chr5-251010-G-A. GRCh37 (hg19) VCF-style: chr5-251125-G-A.
Other names: c.1426G>A, p.Ala476Thr (NM_001294332.2); c.1552-3383G>A (NM_001330758.2); short protein forms A524T, A476T.
Identifiers: ClinVar variation 2943204 (VCV002943204.3), dbSNP rs1736786122, ClinGen allele CA358998447.